The following is an entry in ClinVar:

ClinVar aggregate classification (germline): Pathogenic. Review status: reviewed by expert panel (3 of 4 stars). 2 submissions from 2 submitters: Pathogenic (1). 1 of the submissions does not count toward it. Last evaluated 2016-10-18.

Conditions:
Breast-ovarian cancer, familial, susceptibility to, 1 (BROVCA1). Also called: BRCA1 Hereditary Breast and Ovarian Cancer; OVARIAN CANCER, SUSCEPTIBILITY TO. Identifiers: Orphanet 145, MedGen C2676676, MONDO:0011450, OMIM 604370. Disease mechanism: loss of function.

Submissions (2):

Evidence-based Network for the Interpretation of Germline Mutant Alleles (ENIGMA)
Classification: Pathogenic for Breast-ovarian cancer, familial, susceptibility to, 1. Last evaluated: 2016-10-18. Review status: reviewed by expert panel. Criteria: ENIGMA BRCA1/2 Classification Criteria (2015). Collection method: curation. Allele origin: germline.
Comment: Variant allele predicted to encode a truncated non-functional protein.

Consortium of Investigators of Modifiers of BRCA1/2 (CIMBA), c/o University of Cambridge
Classification: Pathogenic for Breast-ovarian cancer, familial, susceptibility to, 1. Last evaluated: 2015-10-02. Review status: criteria provided, single submitter. Criteria: CIMBA Mutation Classification guidelines May 2016. Collection method: clinical testing. Allele origin: germline. Not counted in ClinVar's aggregate classification.

NM_007294.4(BRCA1):c.22_50del (p.Val8fs)

Gene: BRCA1 (BRCA1 DNA repair associated; minus strand). Cytogenetic location: 17q21.31.
Variant type: Deletion.
Coding change: c.22_50del on transcript NM_007294.4 (MANE Select); coding-DNA positions 22 to 50, 29 bases deleted (GTTGAAGAAGTACAAAATGTCATTAATGC).
Protein change: p.Val8fs; shifts the reading frame from valine 8.
Molecular consequence: frameshift variant. On other transcripts: 5 prime UTR variant (1), non-coding transcript variant (1).
Genome position (GRCh38, 1-based): chr17:43,124,047-43,124,075, GCATTAATGACATTTTGTACTTCTTCAAC deleted on the plus strand (GTTGAAGAAGTACAAAATGTCATTAATGC on the coding strand, the reverse complement: BRCA1 is on the minus strand); deleting any 29 consecutive bases within chr17:43,124,047-43,124,077 gives the same sequence; the c. name uses the placement nearest the transcript's 3' end. VCF-style (leftmost placement, unchanged base first): chr17-43124046-AGCATTAATGACATTTTGTACTTCTTCAAC-A. GRCh37 (hg19) VCF-style: chr17-41276063-AGCATTAATGACATTTTGTACTTCTTCAAC-A.
Other names: 0141del29-ter30; c.-169_-141del29 (NM_001407571.1, NM_001407853.1, NM_001407879.1 and 46 more transcripts); c.20_48del29, p.Val8Tyrfs (NM_001407581.1, NM_001407582.1, NM_001407583.1 and 192 more transcripts); c.-238_-210del29 (NM_001407694.1, NM_001407724.1, NM_001407727.1 and 11 more transcripts); c.-242_-214del29 (NM_001407695.1, NM_001408465.1); c.-383_-355del29 (NM_001407696.1); c.-267_-239del29 (NM_001407697.1, NM_001407846.1, NM_001407920.1); c.-68_-40del29 (NM_001407698.1, NM_001407732.1, NM_001407736.1 and 22 more transcripts); and 11 more; short protein forms V8fs.
Identifiers: ClinVar variation 266236 (VCV000266236.6), dbSNP rs886040013, ClinGen allele CA10590045.